The following is an entry in ClinVar:

NM_001395656.1(ROBO2):c.3718G>A (p.Ala1240Thr)

Gene: ROBO2 (roundabout guidance receptor 2; plus strand). Cytogenetic location: 3p12.3.
Variant type: single nucleotide variant.
Coding change: c.3718G>A on transcript NM_001395656.1 (MANE Select); coding-DNA position 3718, G replaced by A.
Protein change: p.Ala1240Thr; replaces alanine 1240 with threonine.
Molecular consequence: missense variant.
Genome position (GRCh38, 1-based): chr3:77,622,378, G>A. VCF-style: chr3-77622378-G-A. GRCh37 (hg19) VCF-style: chr3-77671529-G-A.
Other names: c.3754G>A, p.Ala1252Thr (NM_001128929.3); c.3718G>A, p.Ala1240Thr (NM_001290039.2, NM_001290040.2); c.1927G>A, p.Ala643Thr (NM_001290065.2); c.3766G>A, p.Ala1256Thr (NM_001378190.1, NM_001378200.1, NM_001378201.1 and 1 more transcripts); c.3892G>A, p.Ala1298Thr (NM_001378191.1, NM_001378195.1, NM_001378196.1); c.3787G>A, p.Ala1263Thr (NM_001378192.1, NM_001378198.1, NM_001378199.1); c.3706G>A, p.Ala1236Thr (NM_001378193.1, NM_002942.5); c.3904G>A, p.Ala1302Thr (NM_001378194.1); and 5 more; short protein forms A1236T, A1252T, A1240T, A643T, A1237T, A1256T, A1259T, A1263T.
Identifiers: ClinVar variation 7104 (VCV000007104.3), dbSNP rs267607015, ClinGen allele CA118637.
Genomic context (GRCh38, chr3:77,622,378, plus strand): 5'-GTTGCAGATGATGATGCCGACGACGAAGAGGAAGCTTTAGAAATCCCCAGGCCCCTGAGA[G>A]CACTGGACCAGACTCCTGGATCCAGCATGGACAATCTAGACAGCTCTGTGACAGGTAACG-3'
Protein context (NP_001382585.1, residues 1230-1250): EALEIPRPLR[Ala1240Thr]LDQTPGSSMD

ClinVar aggregate classification (germline): Uncertain significance. Review status: criteria provided, single submitter (1 of 4 stars). 2 submissions from 2 submitters: Uncertain significance (1). 1 of the submissions does not count toward it. Last evaluated 2021-01-09.

Conditions:
Congenital anomaly of kidney and urinary tract. Also called: Congenital anomalies of kidney and urinary tract; Congenital anomalies of the kidney and urinary tract. Identifiers: Orphanet 93545, MedGen C1968949, MeSH C566906, MONDO:0019719.
Vesicoureteral reflux 2 (VUR2). Identifiers: Orphanet 289365, MedGen C1970483, MONDO:0012573, OMIM 610878.

Allele frequency attached by ClinVar (database versions not stated): gnomAD 0.00002; TOPMed 0.00002.
gnomAD v4.1: 11 of 1,613,904 alleles (0.00068%); highest among the groups gnomAD compares: African/African-American, 0.0013%; no homozygotes.

Submissions (2):

Institute of Human Genetics, University of Leipzig Medical Center
Classification: Uncertain significance for Congenital anomaly of kidney and urinary tract. Last evaluated: 2021-01-09. Review status: criteria provided, single submitter. Criteria: ACMG Guidelines, 2015. Collection method: curation. Allele origin: germline. Inheritance: Autosomal dominant inheritance. Affected: yes.
Comment: This ROBO2 variant was reported as Pathogenicâ€‹ in PMID: 17357069 with original nomenclature reported as c.4349G->A, A1236T. Variant was re-classified as Uncertain Significance based on the criteria PM2_Supporting.

OMIM
Classification: Pathogenic for VESICOURETERAL REFLUX 2. Last evaluated: 2007-04-01. Review status: no assertion criteria provided. Collection method: literature only. Allele origin: germline. Not counted in ClinVar's aggregate classification.

Literature cited by the submitters: PubMed 17357069 (cited by Institute of Human Genetics, University of Leipzig Medical Center and OMIM).